The following is an entry in ClinVar:

ClinVar aggregate classification (germline): Uncertain significance (1 of 4 stars; one submission).

Allele frequency attached by ClinVar (database versions not stated): TOPMed below 0.00001.

Submission:

Labcorp Genetics (formerly Invitae), Labcorp
Classification: Uncertain significance. Last evaluated: 2023-11-27. Review status: criteria provided, single submitter. Criteria: Invitae Variant Classification Sherloc (09022015). Collection method: clinical testing. Allele origin: germline.
Comment: This sequence change replaces arginine, which is basic and polar, with cysteine, which is neutral and slightly polar, at codon 963 of the GRIN2D protein (p.Arg963Cys). The frequency data for this variant in the population databases is considered unreliable, as metrics indicate insufficient coverage at this position in the gnomAD database. This variant has not been reported in the literature in individuals affected with GRIN2D-related conditions. Advanced modeling of protein sequence and biophysical properties (such as structural, functional, and spatial information, amino acid conservation, physicochemical variation, residue mobility, and thermodynamic stability) performed at Invitae indicates that this missense variant is not expected to disrupt GRIN2D protein function with a negative predictive value of 95%. In summary, the available evidence is currently insufficient to determine the role of this variant in disease. Therefore, it has been classified as a Variant of Uncertain Significance.

NM_000836.4(GRIN2D):c.2887C>T (p.Arg963Cys)

Gene: GRIN2D (glutamate ionotropic receptor NMDA type subunit 2D; plus strand). Cytogenetic location: 19q13.33.
Variant type: single nucleotide variant.
Coding change: c.2887C>T on transcript NM_000836.4 (MANE Select); coding-DNA position 2887, C replaced by T.
Protein change: p.Arg963Cys; replaces arginine 963 with cysteine.
Molecular consequence: missense variant.
Genome position (GRCh38, 1-based): chr19:48,442,813, C>T. VCF-style: chr19-48442813-C-T. GRCh37 (hg19) VCF-style: chr19-48946070-C-T.
Other names: short protein forms R963C.
Identifiers: ClinVar variation 2848658 (VCV002848658.3), dbSNP rs1971316481, ClinGen allele CA406674131.
Genomic context (GRCh38, chr19:48,442,813, plus strand): 5'-TGGCGCCGGACCAAGGGCGCGGGGCCGCCGGGGGGCGCGGGCCTGGCCGACGGCTTCCAC[C>T]GCTACTACGGCCCCATCGAGCCGCAGGGCCTAGGCCTCGGCCTGGGCGAAGCGCGCGCGG-3'
Protein context (NP_000827.2, residues 953-973): GGAGLADGFH[Arg963Cys]YYGPIEPQGL